The following is an entry in ClinVar:

ClinVar aggregate classification (germline): Likely benign. Review status: criteria provided, multiple submitters, no conflicts (2 of 4 stars). 2 submissions from 2 submitters: Likely benign (2). Last evaluated 2026-03-09.

Allele frequency attached by ClinVar (database versions not stated): gnomAD exomes below 0.00001; ExAC 0.00001; gnomAD 0.00002.
gnomAD v4.1: 8 of 1,613,206 alleles (0.0005%); highest among the groups gnomAD compares: African/African-American, 0.0027%; no homozygotes.

Submissions (2):

Women's Health and Genetics/Laboratory Corporation of America, LabCorp
Classification: Likely benign. Last evaluated: 2026-03-09. Review status: criteria provided, single submitter. Criteria: LabCorp Variant Classification Summary - May 2015. Collection method: clinical testing. Allele origin: germline.
Comment: Variant summary: PPP2R1A c.1662-10C>T alters a nucleotide located at a position not widely known to affect splicing. Consensus agreement among computation tools predict no significant impact on normal splicing. However, these predictions have yet to be confirmed by functional studies. The variant allele was found at a frequency of 8e-06 in 251302 control chromosomes. The available data on variant occurrences in the general population are insufficient to allow any conclusion about variant significance. To our knowledge, no occurrence of c.1662-10C>T in individuals affected with PPP2R1A-related conditions and no experimental evidence demonstrating its impact on protein function have been reported. ClinVar contains an entry for this variant (Variation ID: 3004931). Based on the evidence outlined above, the variant was classified as likely benign.

Labcorp Genetics (formerly Invitae), Labcorp
Classification: Likely benign. Last evaluated: 2025-02-17. Review status: criteria provided, single submitter. Criteria: Invitae Variant Classification Sherloc (09022015). Collection method: clinical testing. Allele origin: germline.

NM_014225.6(PPP2R1A):c.1662-10C>T

Gene: PPP2R1A (protein phosphatase 2 scaffold subunit Aalpha; plus strand). Cytogenetic location: 19q13.41.
Variant type: single nucleotide variant.
Coding change: c.1662-10C>T on transcript NM_014225.6 (MANE Select); 10 bases into the intron before coding-DNA position 1662, C replaced by T.
Molecular consequence: intron variant.
Genome position (GRCh38, 1-based): chr19:52,225,707, C>T. VCF-style: chr19-52225707-C-T. GRCh37 (hg19) VCF-style: chr19-52728960-C-T.
Other names: c.1125-10C>T (NM_001363656.2).
Identifiers: ClinVar variation 3004931 (VCV003004931.4), dbSNP rs771075267, ClinGen allele CA9621660.